The following is an entry in ClinVar:

ClinVar aggregate classification (germline): Uncertain significance (1 of 4 stars; one submission).

Conditions:
Developmental and epileptic encephalopathy, 53. Also called: Epileptic encephalopathy, early infantile, 53. Identifiers: MedGen C4479313, MONDO:0033362, OMIM 617389.
Early-onset Parkinson disease 20. Also called: PARKINSON DISEASE 20, AUTOSOMAL RECESSIVE EARLY-ONSET. Identifiers: Orphanet 391411, MedGen C3809824, MONDO:0014233, OMIM 615530.

Allele frequency attached by ClinVar (database versions not stated): gnomAD 0.00001; gnomAD exomes 0.00001 and 0.00004; 1000 Genomes Project 0.00080; ExAC 0.00006; 1000 Genomes Project 30x 0.00062.
gnomAD v4.1: 17 of 1,613,050 alleles (0.0011%); highest among the groups gnomAD compares: South Asian, 0.015%; no homozygotes.

Submission:

Labcorp Genetics (formerly Invitae), Labcorp
Classification: Uncertain significance for Developmental and epileptic encephalopathy, 53; Early-onset Parkinson disease 20. Last evaluated: 2022-01-14. Review status: criteria provided, single submitter. Criteria: Invitae Variant Classification Sherloc (09022015). Collection method: clinical testing. Allele origin: germline.
Comment: In summary, the available evidence is currently insufficient to determine the role of this variant in disease. Therefore, it has been classified as a Variant of Uncertain Significance. Algorithms developed to predict the effect of missense changes on protein structure and function (SIFT, PolyPhen-2, Align-GVGD) all suggest that this variant is likely to be tolerated. This variant has not been reported in the literature in individuals affected with SYNJ1-related conditions. This variant is present in population databases (rs570298309, gnomAD 0.03%). This sequence change replaces serine, which is neutral and polar, with leucine, which is neutral and non-polar, at codon 1357 of the SYNJ1 protein (p.Ser1357Leu).

NM_203446.3(SYNJ1):c.*41C>T

Gene: SYNJ1 (synaptojanin 1; minus strand). Cytogenetic location: 21q22.11.
Variant type: single nucleotide variant.
Coding change: c.*41C>T on transcript NM_203446.3 (MANE Select); 41 bases downstream of the stop codon, C replaced by T.
Molecular consequence: 3 prime UTR variant. On other transcripts: missense variant (2).
Genome position (GRCh38, 1-based): chr21:32,631,764, G>A on the plus strand (C>T on the coding strand, the complement: SYNJ1 is on the minus strand). VCF-style: chr21-32631764-G-A. GRCh37 (hg19) VCF-style: chr21-34004074-G-A.
Other names: c.*41C>T (NM_001160302.2); c.3812C>T, p.Ser1271Leu (NM_001160306.2); c.4070C>T, p.Ser1357Leu (NM_003895.4); short protein forms S1271L, S1357L.
Identifiers: ClinVar variation 1388889 (VCV001388889.8), dbSNP rs570298309, ClinGen allele CA10003182.